The following is an entry in ClinVar:

NM_003611.3(OFD1):c.714T>C (p.Tyr238=)

Gene: OFD1 (OFD1 centriole and centriolar satellite protein; plus strand). Cytogenetic location: Xp22.2.
Variant type: single nucleotide variant.
Coding change: c.714T>C on transcript NM_003611.3 (MANE Select); coding-DNA position 714, T replaced by C.
Protein change: p.Tyr238=; no amino-acid change (tyrosine 238 retained).
Molecular consequence: synonymous variant.
Genome position (GRCh38, 1-based): chrX:13,746,839, T>C. VCF-style: chrX-13746839-T-C. GRCh37 (hg19) VCF-style: chrX-13764958-T-C.
Other names: p.Tyr238=; c.714T>C, p.Tyr238= (NM_001330209.2); c.294T>C, p.Tyr98= (NM_001330210.2).
Identifiers: ClinVar variation 159473 (VCV000159473.25), dbSNP rs139848884, ClinGen allele CA172901.

ClinVar aggregate classification (germline): Benign/Likely benign. Review status: criteria provided, multiple submitters, no conflicts (2 of 4 stars). 9 submissions from 9 submitters: Benign (5); Likely benign (1). 3 of the submissions do not count toward it. Last evaluated 2026-02-01.

Conditions:
Orofaciodigital syndrome I (OFD1). Also called: OFDS I; Papillon-Leage and Psaume Syndrome; Oral-Facial-Digital Syndrome Type I. Identifiers: Orphanet 2750, MedGen C1510460, MONDO:0010702, OMIM 311200.
Retinitis pigmentosa 23 (RP23). Identifiers: Orphanet 791, MedGen C1419610, MONDO:0010320, OMIM 300424.
Simpson-Golabi-Behmel syndrome type 2. Identifiers: Orphanet 79022, MedGen C1846175, MONDO:0010265, OMIM 300209.
Joubert syndrome 10 (JBTS10). Identifiers: Orphanet 2754, MedGen C2749019, MONDO:0010431, OMIM 300804.
Joubert syndrome. Also called: JOUBERT-BOLTSHAUSER SYNDROME; Familial aplasia of the vermis. Identifiers: Orphanet 475, MedGen C5979921, MONDO:0018772.
Primary ciliary dyskinesia. Also called: Ciliary dyskinesia. Identifiers: Orphanet 244, MedGen C0008780, MONDO:0016575, HP:0012265.

Allele frequency attached by ClinVar (database versions not stated): gnomAD exomes 0.00059 and 0.00167; ExAC 0.00213; gnomAD 0.00600 and 0.00637; ESP Exome Variant Server 0.00644; TOPMed 0.00663; 1000 Genomes Project 0.00689; 1000 Genomes Project 30x 0.00728.
gnomAD v4.1: 1,358 of 1,202,057 alleles (0.11%); highest among the groups gnomAD compares: African/African-American, 2.1%; 10 homozygotes.

Submissions (9):

Labcorp Genetics (formerly Invitae), Labcorp
Classification: Benign for Orofaciodigital syndrome I; Joubert syndrome. Last evaluated: 2026-02-01. Review status: criteria provided, single submitter. Criteria: Invitae Variant Classification Sherloc (09022015). Collection method: clinical testing. Allele origin: germline.

Mayo Clinic Laboratories, Mayo Clinic
Classification: Benign. Last evaluated: 2024-01-30. Review status: criteria provided, single submitter. Criteria: ACMG Guidelines, 2015. Collection method: clinical testing. Allele origin: germline. Observed: 5 variant alleles.
Comment: BA1, BS2, BP4, BP7

Fulgent Genetics
Classification: Likely benign for Simpson-Golabi-Behmel syndrome type 2; Retinitis pigmentosa 23; Joubert syndrome 10; Orofaciodigital syndrome I. Last evaluated: 2021-07-26. Review status: criteria provided, single submitter. Criteria: ACMG Guidelines, 2015. Collection method: clinical testing. Allele origin: unknown.

GeneDx
Classification: Benign. Last evaluated: 2016-08-02. Review status: criteria provided, single submitter. Criteria: GeneDx Variant Classification (06012015). Collection method: clinical testing. Allele origin: germline. Affected: yes.
Comment: This variant is considered likely benign or benign based on one or more of the following criteria: it is a conservative change, it occurs at a poorly conserved position in the protein, it is predicted to be benign by multiple in silico algorithms, and/or has population frequency not consistent with disease.

Ambry Genetics
Classification: Benign for Primary ciliary dyskinesia. Last evaluated: 2016-01-12. Review status: criteria provided, single submitter. Criteria: Ambry Variant Classification Scheme 2023. Collection method: clinical testing. Allele origin: germline.

PreventionGenetics, part of Exact Sciences
Classification: Benign. Review status: criteria provided, single submitter. Criteria: ACMG Guidelines, 2015. Collection method: clinical testing. Allele origin: germline.

Clinical Genetics DNA and cytogenetics Diagnostics Lab, Erasmus MC, Erasmus Medical Center
Classification: Likely benign. Review status: no assertion criteria provided. Collection method: clinical testing. Allele origin: germline. Affected: yes. Study: VKGL Data-share Consensus. Not counted in ClinVar's aggregate classification.

Clinical Genetics, Academic Medical Center
Classification: Benign. Review status: no assertion criteria provided. Collection method: clinical testing. Allele origin: germline. Affected: yes. Study: VKGL Data-share Consensus. Not counted in ClinVar's aggregate classification.

Genetic Services Laboratory, University of Chicago
Classification: Likely benign. Review status: no assertion criteria provided. Collection method: clinical testing. Allele origin: germline. Inheritance: X-linked inheritance. Not counted in ClinVar's aggregate classification.
Comment: Likely benign based on allele frequency in 1000 Genomes Project or ESP global frequency and its presence in a patient with a rare or unrelated disease phenotype. NOT Sanger confirmed